The following is an entry in ClinVar:

ClinVar aggregate classification (germline): Uncertain significance (1 of 4 stars; one submission).

Submission:

Labcorp Genetics (formerly Invitae), Labcorp
Classification: Uncertain significance. Last evaluated: 2020-09-05. Review status: criteria provided, single submitter. Criteria: Invitae Variant Classification Sherloc (09022015). Collection method: clinical testing. Allele origin: germline.
Comment: In summary, the available evidence is currently insufficient to determine the role of this variant in disease. Therefore, it has been classified as a Variant of Uncertain Significance. Algorithms developed to predict the effect of missense changes on protein structure and function (SIFT, PolyPhen-2, Align-GVGD) all suggest that this variant is likely to be disruptive, but these predictions have not been confirmed by published functional studies and their clinical significance is uncertain. This variant has not been reported in the literature in individuals with RCBTB1-related conditions. This variant is not present in population databases (ExAC no frequency). This sequence change replaces methionine with threonine at codon 309 of the RCBTB1 protein (p.Met309Thr). The methionine residue is highly conserved and there is a moderate physicochemical difference between methionine and threonine.

NM_018191.4(RCBTB1):c.926T>C (p.Met309Thr)

Gene: RCBTB1 (RCC1 and BTB domain containing protein 1; minus strand). Cytogenetic location: 13q14.2.
Variant type: single nucleotide variant.
Coding change: c.926T>C on transcript NM_018191.4 (MANE Select); coding-DNA position 926, T replaced by C.
Protein change: p.Met309Thr; replaces methionine 309 with threonine.
Molecular consequence: missense variant. On other transcripts: non-coding transcript variant (2).
Genome position (GRCh38, 1-based): chr13:49,549,577, A>G on the plus strand (T>C on the coding strand, the complement: RCBTB1 is on the minus strand). VCF-style: chr13-49549577-A-G. GRCh37 (hg19) VCF-style: chr13-50123713-A-G.
Other names: c.926T>C, p.Met309Thr (NM_001352500.2, NM_001352501.2, NM_001352502.2 and 3 more transcripts); c.347T>C, p.Met116Thr (NM_001352506.2); short protein forms M116T, M309T.
Identifiers: ClinVar variation 1012041 (VCV001012041.8), dbSNP rs1961149333, ClinGen allele CA388189801.